The following is an entry in ClinVar:

ClinVar aggregate classification (germline): Uncertain significance (1 of 4 stars; one submission).

Conditions:
Spastic paraplegia. Identifiers: MedGen C0037772, HP:0001258.

Allele frequency attached by ClinVar (database versions not stated): TOPMed 0.00002.
gnomAD v4.1: 1 of 1,613,856 alleles (0.000062%); highest among the groups gnomAD compares: Non-Finnish European, 0.000085%; no homozygotes.

Submission:

Labcorp Genetics (formerly Invitae), Labcorp
Classification: Uncertain significance for Spastic paraplegia. Last evaluated: 2025-07-23. Review status: criteria provided, single submitter. Criteria: Invitae Variant Classification Sherloc (09022015). Collection method: clinical testing. Allele origin: germline.
Comment: This sequence change replaces threonine, which is neutral and polar, with asparagine, which is neutral and polar, at codon 727 of the KIF5A protein (p.Thr727Asn). This variant is present in population databases (rs756519830, gnomAD 0.0009%). This variant has not been reported in the literature in individuals affected with KIF5A-related conditions. ClinVar contains an entry for this variant (Variation ID: 2911027). Invitae Evidence Modeling of protein sequence and biophysical properties (such as structural, functional, and spatial information, amino acid conservation, physicochemical variation, residue mobility, and thermodynamic stability) indicates that this missense variant is not expected to disrupt KIF5A protein function with a negative predictive value of 95%. In summary, the available evidence is currently insufficient to determine the role of this variant in disease. Therefore, it has been classified as a Variant of Uncertain Significance.

NM_004984.4(KIF5A):c.2180C>A (p.Thr727Asn)

Gene: KIF5A (kinesin family member 5A; plus strand). Cytogenetic location: 12q13.3.
Variant type: single nucleotide variant.
Coding change: c.2180C>A on transcript NM_004984.4 (MANE Select); coding-DNA position 2180, C replaced by A.
Protein change: p.Thr727Asn; replaces threonine 727 with asparagine.
Molecular consequence: missense variant.
Genome position (GRCh38, 1-based): chr12:57,576,360, C>A. VCF-style: chr12-57576360-C-A. GRCh37 (hg19) VCF-style: chr12-57970143-C-A.
Other names: c.1913C>A, p.Thr638Asn (NM_001354705.2); short protein forms T638N, T727N.
Identifiers: ClinVar variation 2911027 (VCV002911027.3), dbSNP rs756519830, ClinGen allele CA6653028.